The following is an entry in ClinVar:

NM_000426.4(LAMA2):c.5325dup (p.Leu1776fs)

Gene: LAMA2 (laminin subunit alpha 2; plus strand). Cytogenetic location: 6q22.33.
Variant type: Duplication.
Coding change: c.5325dup on transcript NM_000426.4 (MANE Select); coding-DNA position 5325, one base duplicated (A; older notation c.5325dupA).
Protein change: p.Leu1776fs; shifts the reading frame from leucine 1776.
Molecular consequence: frameshift variant.
Genome position (GRCh38, 1-based): chr6:129,393,135, A duplicated; the last of 5 consecutive A bases (chr6:129,393,131-129,393,135); duplicating any one gives the same sequence. VCF-style (leftmost placement, unchanged base first): chr6-129393130-G-GA. GRCh37 (hg19) VCF-style: chr6-129714275-G-GA.
Other names: p.Leu1776Thrfs*3; c.5325dup, p.Leu1776fs (NM_001079823.2); c.5325dupA (NM_000426.3); short protein forms L1776fs.
Identifiers: ClinVar variation 551387 (VCV000551387.15), dbSNP rs768458445, ClinGen allele CA3993848.

ClinVar aggregate classification (germline): Pathogenic/Likely pathogenic. Review status: criteria provided, multiple submitters, no conflicts (2 of 4 stars). 7 submissions from 7 submitters: Pathogenic (4); Likely pathogenic (1). 2 of the submissions do not count toward it. Last evaluated 2025-04-23.

Conditions:
LAMA2-related disorder. Also called: LAMA2-related disorders; LAMA2-related condition.
Merosin deficient congenital muscular dystrophy (MDC1A). Also called: Congenital Muscular Dystrophy Type 1A (MDC1A); Congenital merosin-deficient muscular dystrophy 1A. Identifiers: Orphanet 258, MedGen C1263858, MONDO:0011925, OMIM 607855.
LAMA2-related muscular dystrophy (LAMA2-RD). Also called: Laminin alpha 2-related dystrophy. Identifiers: MedGen C5679788, MONDO:0100228.

Submissions (7):

GeneDx
Classification: Likely pathogenic. Last evaluated: 2025-04-23. Review status: criteria provided, single submitter. Criteria: GeneDx Variant Classification Process June 2021. Collection method: clinical testing. Allele origin: germline. Affected: yes.
Comment: Reported previously in patients with ventilatory support, motor delays, contractures, tube feeding, and bone fragility, who also harbored a second LAMA2 variant (phase unknown) (PMID: 20207543, 37476021); Frameshift variant predicted to result in protein truncation or nonsense mediated decay in a gene for which loss of function is a known mechanism of disease; Not observed at significant frequency in large population cohorts (gnomAD); This variant is associated with the following publications: (PMID: 37476021, 30055037, 20207543)

Labcorp Genetics (formerly Invitae), Labcorp
Classification: Pathogenic for LAMA2-related muscular dystrophy. Last evaluated: 2024-04-09. Review status: criteria provided, single submitter. Criteria: Invitae Variant Classification Sherloc (09022015). Collection method: clinical testing. Allele origin: germline.
Comment: This sequence change creates a premature translational stop signal (p.Leu1776Thrfs*3) in the LAMA2 gene. It is expected to result in an absent or disrupted protein product. Loss-of-function variants in LAMA2 are known to be pathogenic (PMID: 18700894, 32904964). This variant is present in population databases (rs768458445, gnomAD 0.004%). This premature translational stop signal has been observed in individual(s) with muscular dystrophy (PMID: 20207543). ClinVar contains an entry for this variant (Variation ID: 551387). For these reasons, this variant has been classified as Pathogenic.

Baylor Genetics
Classification: Pathogenic for Merosin deficient congenital muscular dystrophy. Last evaluated: 2024-03-06. Review status: criteria provided, single submitter. Criteria: ACMG Guidelines, 2015. Collection method: clinical testing. Allele origin: unknown.

Mayo Clinic Laboratories, Mayo Clinic
Classification: Pathogenic. Last evaluated: 2023-09-15. Review status: criteria provided, single submitter. Criteria: ACMG Guidelines, 2015. Collection method: clinical testing. Allele origin: germline. Observed: 1 variant allele.
Comment: PM2_moderate, PM3, PVS1

Women's Health and Genetics/Laboratory Corporation of America, LabCorp
Classification: Pathogenic for LAMA2-related muscular dystrophy. Last evaluated: 2023-05-03. Review status: criteria provided, single submitter. Criteria: LabCorp Variant Classification Summary - May 2015. Collection method: clinical testing. Allele origin: germline.
Comment: Variant summary: LAMA2 c.5325dupA (p.Leu1776ThrfsX3) results in a premature termination codon, predicted to cause a truncation of the encoded protein or absence of the protein due to nonsense mediated decay, which are commonly known mechanisms for disease. The variant allele was found at a frequency of 1.2e-05 in 251280 control chromosomes (gnomAD). The available data on variant occurrences in the general population are insufficient to allow any conclusion about variant significance. c.5325dupA has been reported in the literature in at least two compound heterozygous individuals affected with Laminin Alpha 2-Related Dystrophy (e.g., Geranmayeh_2010, Oliveira_2018). These data indicate that the variant is likely to be associated with disease. The following publications have been ascertained in the context of this evaluation (PMID: 20207543, 30055037). Two clinical diagnostic laboratories have submitted clinical-significance assessments for this variant to ClinVar after 2014, and both laboratories classified the variant as pathogenic/likely pathogenic. Based on the evidence outlined above, the variant was classified as pathogenic.

PreventionGenetics, part of Exact Sciences
Classification: Pathogenic for LAMA2-related condition. Last evaluated: 2024-02-15. Review status: no assertion criteria provided. Collection method: clinical testing. Allele origin: germline. Not counted in ClinVar's aggregate classification.
Comment: The LAMA2 c.5325dupA variant is predicted to result in a frameshift and premature protein termination (p.Leu1776Thrfs*3). This variant has been reported to be causative for autosomal recessive merosin-deficient congenital muscular dystrophy 1A (MCD1A) (Geranmayeh et al. 2010. PubMed ID: 20207543). This variant is reported in 0.0026% of alleles in individuals of European (Non-Finnish) descent in gnomAD. Frameshift variants in LAMA2 are expected to be pathogenic. This variant is interpreted as pathogenic.

Counsyl
Classification: Likely pathogenic for Merosin deficient congenital muscular dystrophy. Last evaluated: 2017-04-07. Review status: no assertion criteria provided. Collection method: clinical testing. Allele origin: unknown. Not counted in ClinVar's aggregate classification.

Literature cited by the submitters: PubMed 18700894 (cited by Labcorp Genetics (formerly Invitae), Labcorp); PubMed 32904964 (cited by Labcorp Genetics (formerly Invitae), Labcorp); PubMed 20207543 (cited by 4 submitters); PubMed 30055037 (cited by Women's Health and Genetics/Laboratory Corporation of America, LabCorp).